The following is an entry in ClinVar:

ClinVar aggregate classification (germline): Conflicting classifications of pathogenicity. Review status: criteria provided, conflicting classifications (1 of 4 stars). 2 submissions from 2 submitters: Uncertain significance (1); Likely benign (1). Last evaluated 2025-03-13.

Allele frequency attached by ClinVar (database versions not stated): gnomAD 0.00007 and 0.00010; TOPMed 0.00010; ExAC 0.00017; gnomAD exomes 0.00017.
gnomAD v4.1: 216 of 1,614,004 alleles (0.013%); highest among the groups gnomAD compares: South Asian, 0.074%; no homozygotes.

Submissions (2):

Labcorp Genetics (formerly Invitae), Labcorp
Classification: Uncertain significance. Last evaluated: 2025-03-13. Review status: criteria provided, single submitter. Criteria: Invitae Variant Classification Sherloc (09022015). Collection method: clinical testing. Allele origin: germline.
Comment: This sequence change replaces valine, which is neutral and non-polar, with methionine, which is neutral and non-polar, at codon 1700 of the NALCN protein (p.Val1700Met). This variant is present in population databases (rs761894809, gnomAD 0.08%). This variant has not been reported in the literature in individuals affected with NALCN-related conditions. ClinVar contains an entry for this variant (Variation ID: 1208323). Invitae Evidence Modeling of protein sequence and biophysical properties (such as structural, functional, and spatial information, amino acid conservation, physicochemical variation, residue mobility, and thermodynamic stability) indicates that this missense variant is not expected to disrupt NALCN protein function with a negative predictive value of 80%. In summary, the available evidence is currently insufficient to determine the role of this variant in disease. Therefore, it has been classified as a Variant of Uncertain Significance.

GeneDx
Classification: Likely benign. Last evaluated: 2020-06-16. Review status: criteria provided, single submitter. Criteria: GeneDx Variant Classification Process June 2021. Collection method: clinical testing. Allele origin: germline. Affected: yes.

NM_052867.4(NALCN):c.5098G>A (p.Val1700Met)

Genes: NALCN (sodium leak channel, non-selective; minus strand), NALCN-AS1 (NALCN antisense RNA 1; plus strand). Cytogenetic location: 13q32.3.
Variant type: single nucleotide variant.
Coding change: c.5098G>A on transcript NM_052867.4 (MANE Select); coding-DNA position 5098, G replaced by A.
Protein change: p.Val1700Met; replaces valine 1700 with methionine.
Molecular consequence: missense variant. On other transcripts: non-coding transcript variant (1).
Genome position (GRCh38, 1-based): chr13:101,055,414, C>T on the plus strand (G>A on the coding strand, the complement: NALCN is on the minus strand). VCF-style: chr13-101055414-C-T. GRCh37 (hg19) VCF-style: chr13-101707766-C-T.
Other names: c.5185G>A, p.Val1729Met (NM_001350748.2); c.5098G>A, p.Val1700Met (NM_001350749.2); c.5011G>A, p.Val1671Met (NM_001350750.2, NM_001350751.2); short protein forms V1671M, V1700M, V1729M.
Identifiers: ClinVar variation 1208323 (VCV001208323.8), dbSNP rs761894809, ClinGen allele CA7034916.